The following is an entry in ClinVar:

NM_001389683.1(GOLGA3):c.4282C>T (p.Leu1428=)

Gene: GOLGA3 (golgin A3; minus strand). Cytogenetic location: 12q24.33.
Variant type: single nucleotide variant.
Coding change: c.4282C>T on transcript NM_001389683.1 (MANE Select); coding-DNA position 4282, C replaced by T.
Protein change: p.Leu1428=; no amino-acid change (leucine 1428 retained).
Molecular consequence: synonymous variant.
Genome position (GRCh38, 1-based): chr12:132,774,182, G>A on the plus strand (C>T on the coding strand, the complement: GOLGA3 is on the minus strand). VCF-style: chr12-132774182-G-A. GRCh37 (hg19) VCF-style: chr12-133350768-G-A.
Other names: c.4282C>T, p.Leu1428= (NM_001389684.1, NM_001389685.1, NM_005895.4); c.4162C>T, p.Leu1388= (NM_001389686.1, NM_001389687.1, NM_001389688.1); c.4009C>T, p.Leu1337= (NM_001389689.1).
Identifiers: ClinVar variation 2643656 (VCV002643656.24), dbSNP rs138882508, ClinGen allele CA6896158.

ClinVar aggregate classification (germline): Likely benign (1 of 4 stars; one submission).

Allele frequency attached by ClinVar (database versions not stated): ExAC 0.00029; gnomAD 0.00046; TOPMed 0.00046; ESP Exome Variant Server 0.00054; gnomAD exomes 0.00075.
gnomAD v4.1: 1,196 of 1,609,814 alleles (0.074%); highest among the groups gnomAD compares: Non-Finnish European, 0.093%; 1 homozygote.

Submission:

CeGaT Center for Human Genetics Tuebingen
Classification: Likely benign. Last evaluated: 2024-03-01. Review status: criteria provided, single submitter. Criteria: CeGaT Center For Human Genetics Tuebingen Variant Classification Criteria Version 2. Collection method: clinical testing. Allele origin: germline. Affected: yes. Observed: 1 variant allele.
Comment: GOLGA3: BP4